The following is an entry in ClinVar:

NM_182746.3(MCM4):c.434C>T (p.Ser145Phe)

Gene: MCM4 (minichromosome maintenance complex component 4; plus strand). Cytogenetic location: 8q11.21.
Variant type: single nucleotide variant.
Coding change: c.434C>T on transcript NM_182746.3 (MANE Select); coding-DNA position 434, C replaced by T.
Protein change: p.Ser145Phe; replaces serine 145 with phenylalanine.
Molecular consequence: missense variant.
Genome position (GRCh38, 1-based): chr8:47,962,339, C>T. VCF-style: chr8-47962339-C-T. GRCh37 (hg19) VCF-style: chr8-48874899-C-T.
Other names: c.434C>T, p.Ser145Phe (NM_005914.4); short protein forms S145F.
Identifiers: ClinVar variation 3712935 (VCV003712935.2).
Genomic context (GRCh38, chr8:47,962,339, plus strand): 5'-TGATTCTGTCATGTTTTTCTGTGTAGGCAGCAGCAGAAGATATAGTGGCAAGTGAGCAGT[C>T]TCTAGGCCAAAAACTTGTGATCTGGGGAACAGATGTAAATGTGGCAGCATGCAAAGAAAA-3'
Protein context (NP_877423.1, residues 135-155): AAEDIVASEQ[Ser145Phe]LGQKLVIWGT

ClinVar aggregate classification (germline): Uncertain significance (1 of 4 stars; one submission).

gnomAD v4.1: 1 of 1,614,178 alleles (0.000062%); highest among the groups gnomAD compares: Non-Finnish European, 0.000085%; no homozygotes.

Submission:

Labcorp Genetics (formerly Invitae), Labcorp
Classification: Uncertain significance. Last evaluated: 2024-10-03. Review status: criteria provided, single submitter. Criteria: Invitae Variant Classification Sherloc (09022015). Collection method: clinical testing. Allele origin: germline.
Comment: This sequence change replaces serine, which is neutral and polar, with phenylalanine, which is neutral and non-polar, at codon 145 of the MCM4 protein (p.Ser145Phe). This variant is not present in population databases (gnomAD no frequency). This variant has not been reported in the literature in individuals affected with MCM4-related conditions. An algorithm developed to predict the effect of missense changes on protein structure and function (PolyPhen-2) suggests that this variant is likely to be tolerated. In summary, the available evidence is currently insufficient to determine the role of this variant in disease. Therefore, it has been classified as a Variant of Uncertain Significance.